The following is an entry in ClinVar:

ClinVar aggregate classification (germline): Uncertain significance (1 of 4 stars; one submission).

Submission:

Labcorp Genetics (formerly Invitae), Labcorp
Classification: Uncertain significance. Last evaluated: 2025-07-04. Review status: criteria provided, single submitter. Criteria: Invitae Variant Classification Sherloc (09022015). Collection method: clinical testing. Allele origin: germline.
Comment: This sequence change replaces arginine, which is basic and polar, with glycine, which is neutral and non-polar, at codon 248 of the NAA15 protein (p.Arg248Gly). The frequency data for this variant in the population databases is considered unreliable, as metrics indicate poor data quality at this position in the gnomAD database. This variant has not been reported in the literature in individuals affected with NAA15-related conditions. ClinVar contains an entry for this variant (Variation ID: 3622370). An algorithm developed to predict the effect of missense changes on protein structure and function (PolyPhen-2) suggests that this variant is likely to be tolerated. In summary, the available evidence is currently insufficient to determine the role of this variant in disease. Therefore, it has been classified as a Variant of Uncertain Significance.

NM_057175.5(NAA15):c.742A>G (p.Arg248Gly)

Gene: NAA15 (N-alpha-acetyltransferase 15, NatA auxiliary subunit; plus strand). Cytogenetic location: 4q31.1.
Variant type: single nucleotide variant.
Coding change: c.742A>G on transcript NM_057175.5 (MANE Select); coding-DNA position 742, A replaced by G.
Protein change: p.Arg248Gly; replaces arginine 248 with glycine.
Molecular consequence: missense variant.
Genome position (GRCh38, 1-based): chr4:139,349,512, A>G. VCF-style: chr4-139349512-A-G. GRCh37 (hg19) VCF-style: chr4-140270666-A-G.
Other names: c.742A>G, p.Arg248Gly (NM_001410842.1); short protein forms R248G.
Identifiers: ClinVar variation 3622370 (VCV003622370.2).